The following is an entry in ClinVar:

ClinVar aggregate classification (germline): Uncertain significance (1 of 4 stars; one submission).

Submission:

CeGaT Center for Human Genetics Tuebingen
Classification: Uncertain significance. Last evaluated: 2024-01-01. Review status: criteria provided, single submitter. Criteria: CeGaT Center For Human Genetics Tuebingen Variant Classification Criteria Version 2. Collection method: clinical testing. Allele origin: germline. Affected: yes. Observed: 2 variant alleles.
Comment: PRF1: PM2

NM_001083116.3(PRF1):c.1151G>C (p.Gly384Ala)

Gene: PRF1 (perforin 1; minus strand). Cytogenetic location: 10q22.1.
Variant type: single nucleotide variant.
Coding change: c.1151G>C on transcript NM_001083116.3 (MANE Select); coding-DNA position 1151, G replaced by C.
Protein change: p.Gly384Ala; replaces glycine 384 with alanine.
Molecular consequence: missense variant.
Genome position (GRCh38, 1-based): chr10:70,598,570, C>G on the plus strand (G>C on the coding strand, the complement: PRF1 is on the minus strand). VCF-style: chr10-70598570-C-G. GRCh37 (hg19) VCF-style: chr10-72358326-C-G.
Other names: c.1151G>C, p.Gly384Ala (NM_005041.6); short protein forms G384A.
Identifiers: ClinVar variation 3027029 (VCV003027029.22), dbSNP rs2493483225, ClinGen allele CA376957036.